The following is an entry in ClinVar:

NM_006516.4(SLC2A1):c.680-2A>G

Gene: SLC2A1 (solute carrier family 2 member 1; minus strand). Cytogenetic location: 1p34.2.
Variant type: single nucleotide variant.
Coding change: c.680-2A>G on transcript NM_006516.4 (MANE Select); the canonical splice acceptor site of the intron before coding-DNA position 680, A replaced by G.
Molecular consequence: splice acceptor variant.
Genome position (GRCh38, 1-based): chr1:42,929,782, T>C on the plus strand (A>G on the coding strand, the complement: SLC2A1 is on the minus strand). VCF-style: chr1-42929782-T-C. GRCh37 (hg19) VCF-style: chr1-43395453-T-C.
Identifiers: ClinVar variation 3900076 (VCV003900076.1).

ClinVar aggregate classification (germline): Pathogenic (1 of 4 stars; one submission).

Submission:

GeneDx
Classification: Pathogenic. Last evaluated: 2024-11-20. Review status: criteria provided, single submitter. Criteria: GeneDx Variant Classification Process June 2021. Collection method: clinical testing. Allele origin: germline. Affected: yes.
Comment: Canonical splice site variant predicted to result in a null allele in a gene for which loss of function is a known mechanism of disease; Not observed at significant frequency in large population cohorts (gnomAD); This variant is associated with the following publications: (PMID: 32808436, 22814174)